The following is an entry in ClinVar:

NM_078480.3(PUF60):c.768A>G (p.Thr256=)

Gene: PUF60 (poly(U) binding splicing factor 60; minus strand). Cytogenetic location: 8q24.3.
Variant type: single nucleotide variant.
Coding change: c.768A>G on transcript NM_078480.3 (MANE Select); coding-DNA position 768, A replaced by G.
Protein change: p.Thr256=; no amino-acid change (threonine 256 retained).
Molecular consequence: synonymous variant.
Genome position (GRCh38, 1-based): chr8:143,817,911, T>C on the plus strand (A>G on the coding strand, the complement: PUF60 is on the minus strand). VCF-style: chr8-143817911-T-C. GRCh37 (hg19) VCF-style: chr8-144900081-T-C.
Other names: c.639A>G, p.Thr213= (NM_001136033.3); c.714A>G, p.Thr238= (NM_001271096.2); c.630A>G, p.Thr210= (NM_001271097.2); c.765A>G, p.Thr255= (NM_001271098.2); c.681A>G, p.Thr227= (NM_001271099.2); c.588A>G, p.Thr196= (NM_001271100.2); c.879A>G, p.Thr293= (NM_001362895.2, NM_001362896.2); c.828A>G, p.Thr276= (NM_001362897.2); and 1 more.
Identifiers: ClinVar variation 3025356 (VCV003025356.22), dbSNP rs763369978, ClinGen allele CA187616352.

ClinVar aggregate classification (germline): Likely benign (1 of 4 stars; one submission).

Allele frequency attached by ClinVar (database versions not stated): TOPMed below 0.00001; ExAC 0.00001; gnomAD 0.00001; gnomAD exomes 0.00001.
gnomAD v4.1: 8 of 1,612,716 alleles (0.0005%); highest among the groups gnomAD compares: East Asian, 0.0022%; no homozygotes.

Submission:

CeGaT Center for Human Genetics Tuebingen
Classification: Likely benign. Last evaluated: 2024-01-01. Review status: criteria provided, single submitter. Criteria: CeGaT Center For Human Genetics Tuebingen Variant Classification Criteria Version 2. Collection method: clinical testing. Allele origin: germline. Affected: yes. Observed: 1 variant allele.
Comment: PUF60: BP4, BP7